The following is an entry in ClinVar:

ClinVar aggregate classification (germline): Uncertain significance (1 of 4 stars; one submission).

Conditions:
Fanconi anemia (FA). Also called: Fanconi's anemia. Identifiers: Orphanet 84, MedGen C0015625, MeSH D005199, MONDO:0019391.

gnomAD v4.1: 1 of 1,614,020 alleles (0.000062%); highest among the groups gnomAD compares: Non-Finnish European, 0.000085%; no homozygotes.

Submission:

Labcorp Genetics (formerly Invitae), Labcorp
Classification: Uncertain significance for Fanconi anemia. Last evaluated: 2021-07-28. Review status: criteria provided, single submitter. Criteria: Invitae Variant Classification Sherloc (09022015). Collection method: clinical testing. Allele origin: germline.
Comment: In summary, the available evidence is currently insufficient to determine the role of this variant in disease. Therefore, it has been classified as a Variant of Uncertain Significance. Algorithms developed to predict the effect of missense changes on protein structure and function are either unavailable or do not agree on the potential impact of this missense change (SIFT: "Deleterious"; PolyPhen-2: "Probably Damaging"; Align-GVGD: "Class C15"). This variant has not been reported in the literature in individuals affected with FANCF-related conditions. This variant is not present in population databases (ExAC no frequency). This sequence change replaces arginine with cysteine at codon 195 of the FANCF protein (p.Arg195Cys). The arginine residue is moderately conserved and there is a large physicochemical difference between arginine and cysteine.

NM_022725.4(FANCF):c.583C>T (p.Arg195Cys)

Gene: FANCF (FA complementation group F; minus strand). Cytogenetic location: 11p14.3.
Variant type: single nucleotide variant.
Coding change: c.583C>T on transcript NM_022725.4 (MANE Select); coding-DNA position 583, C replaced by T.
Protein change: p.Arg195Cys; replaces arginine 195 with cysteine.
Molecular consequence: missense variant.
Genome position (GRCh38, 1-based): chr11:22,625,228, G>A on the plus strand (C>T on the coding strand, the complement: FANCF is on the minus strand). VCF-style: chr11-22625228-G-A. GRCh37 (hg19) VCF-style: chr11-22646774-G-A.
Other names: short protein forms R195C.
Identifiers: ClinVar variation 1443348 (VCV001443348.6), dbSNP rs1231820160, ClinGen allele CA380058744.